The following is an entry in ClinVar:

NM_018699.4(PRDM5):c.166T>A (p.Leu56Met)

Gene: PRDM5 (PR/SET domain 5; minus strand). Cytogenetic location: 4q27.
Variant type: single nucleotide variant.
Coding change: c.166T>A on transcript NM_018699.4 (MANE Select); coding-DNA position 166, T replaced by A.
Protein change: p.Leu56Met; replaces leucine 56 with methionine.
Molecular consequence: missense variant.
Genome position (GRCh38, 1-based): chr4:120,907,485, A>T on the plus strand (T>A on the coding strand, the complement: PRDM5 is on the minus strand). VCF-style: chr4-120907485-A-T. GRCh37 (hg19) VCF-style: chr4-121828640-A-T.
Other names: c.166T>A, p.Leu56Met (NM_001300823.2, NM_001300824.2, NM_001379104.1 and 1 more transcripts); short protein forms L56M.
Identifiers: ClinVar variation 1777662 (VCV001777662.7), dbSNP rs1161705418, ClinGen allele CA358209546.

ClinVar aggregate classification (germline): Uncertain significance. Review status: criteria provided, multiple submitters, no conflicts (2 of 4 stars). 2 submissions from 2 submitters: Uncertain significance (2). Last evaluated 2022-03-31.

Conditions:
Cardiovascular phenotype. Identifiers: MedGen CN230736.

Submissions (2):

Labcorp Genetics (formerly Invitae), Labcorp
Classification: Uncertain significance. Last evaluated: 2022-03-31. Review status: criteria provided, single submitter. Criteria: Invitae Variant Classification Sherloc (09022015). Collection method: clinical testing. Allele origin: germline.
Comment: This sequence change replaces leucine, which is neutral and non-polar, with methionine, which is neutral and non-polar, at codon 56 of the PRDM5 protein (p.Leu56Met). This variant is not present in population databases (gnomAD no frequency). This variant has not been reported in the literature in individuals affected with PRDM5-related conditions. Algorithms developed to predict the effect of missense changes on protein structure and function are either unavailable or do not agree on the potential impact of this missense change (SIFT: "Deleterious"; PolyPhen-2: "Probably Damaging"; Align-GVGD: "Class C0"). In summary, the available evidence is currently insufficient to determine the role of this variant in disease. Therefore, it has been classified as a Variant of Uncertain Significance.

Ambry Genetics
Classification: Uncertain significance for Cardiovascular phenotype. Last evaluated: 2020-02-11. Review status: criteria provided, single submitter. Criteria: Ambry Variant Classification Scheme 2023. Collection method: clinical testing. Allele origin: germline.
Comment: The p.L56M variant (also known as c.166T>A), located in coding exon 2 of the PRDM5 gene, results from a T to A substitution at nucleotide position 166. The leucine at codon 56 is replaced by methionine, an amino acid with highly similar properties. This amino acid position is highly conserved in available vertebrate species. In addition, the in silico prediction for this alteration is inconclusive. Since supporting evidence is limited at this time, the clinical significance of this alteration remains unclear.